The following is an entry in ClinVar:

ClinVar aggregate classification (germline): Uncertain significance. Review status: criteria provided, multiple submitters, no conflicts (2 of 4 stars). 3 submissions from 3 submitters: Uncertain significance (3). Last evaluated 2022-11-22.

Conditions:
Hereditary cancer-predisposing syndrome. Also called: Tumor predisposition; Neoplastic Syndromes, Hereditary; Hereditary Cancer Syndrome; Hereditary neoplastic syndrome. Identifiers: Orphanet 140162, MedGen C0027672, MeSH D009386, MONDO:0015356.
Microcephaly, normal intelligence and immunodeficiency (NBS). Also called: BERLIN BREAKAGE SYNDROME; Ataxia telangiectasia variant V1; IMMUNODEFICIENCY, MICROCEPHALY, AND CHROMOSOMAL INSTABILITY; SEEMANOVA SYNDROME II; Immunodeficiency, microcephaly with normal intelligence; Nijmegen breakage syndrome. Identifiers: Orphanet 647, MedGen C0398791, MONDO:0009623, OMIM 251260.

Allele frequency attached by ClinVar (database versions not stated): gnomAD exomes below 0.00001; ExAC 0.00001.
gnomAD v4.1: 2 of 1,613,006 alleles (0.00012%); highest among the groups gnomAD compares: East Asian, 0.0022%; no homozygotes.

Submissions (3):

Ambry Genetics
Classification: Uncertain significance for Hereditary cancer-predisposing syndrome. Last evaluated: 2022-11-22. Review status: criteria provided, single submitter. Criteria: Ambry Variant Classification Scheme 2023. Collection method: clinical testing. Allele origin: germline.
Comment: The p.H235R variant (also known as c.704A>G), located in coding exon 7 of the NBN gene, results from an A to G substitution at nucleotide position 704. The histidine at codon 235 is replaced by arginine, an amino acid with highly similar properties. This amino acid position is well conserved in available vertebrate species. In addition, the in silico prediction for this alteration is inconclusive. Since supporting evidence is limited at this time, the clinical significance of this alteration remains unclear.

Labcorp Genetics (formerly Invitae), Labcorp
Classification: Uncertain significance for Microcephaly, normal intelligence and immunodeficiency. Last evaluated: 2022-04-13. Review status: criteria provided, single submitter. Criteria: Invitae Variant Classification Sherloc (09022015). Collection method: clinical testing. Allele origin: germline.
Comment: This sequence change replaces histidine, which is basic and polar, with arginine, which is basic and polar, at codon 235 of the NBN protein (p.His235Arg). This variant is present in population databases (rs769519885, gnomAD 0.006%). This variant has not been reported in the literature in individuals affected with NBN-related conditions. ClinVar contains an entry for this variant (Variation ID: 490061). Algorithms developed to predict the effect of missense changes on protein structure and function are either unavailable or do not agree on the potential impact of this missense change (SIFT: "Tolerated"; PolyPhen-2: "Possibly Damaging"; Align-GVGD: "Class C0"). Algorithms developed to predict the effect of sequence changes on RNA splicing suggest that this variant may create or strengthen a splice site. In summary, the available evidence is currently insufficient to determine the role of this variant in disease. Therefore, it has been classified as a Variant of Uncertain Significance.

Genome-Nilou Lab
Classification: Uncertain significance for Microcephaly, normal intelligence and immunodeficiency. Last evaluated: 2021-11-07. Review status: criteria provided, single submitter. Criteria: ACMG Guidelines, 2015. Collection method: clinical testing. Allele origin: germline. Affected: no.

NM_002485.5(NBN):c.704A>G (p.His235Arg)

Gene: NBN (nibrin; minus strand). Cytogenetic location: 8q21.3.
Variant type: single nucleotide variant.
Coding change: c.704A>G on transcript NM_002485.5 (MANE Select); coding-DNA position 704, A replaced by G.
Protein change: p.His235Arg; replaces histidine 235 with arginine.
Molecular consequence: missense variant.
Genome position (GRCh38, 1-based): chr8:89,970,556, T>C on the plus strand (A>G on the coding strand, the complement: NBN is on the minus strand). VCF-style: chr8-89970556-T-C. GRCh37 (hg19) VCF-style: chr8-90982784-T-C.
Other names: c.458A>G, p.His153Arg (NM_001024688.3); short protein forms H235R, H153R.
Identifiers: ClinVar variation 490061 (VCV000490061.18), dbSNP rs769519885, ClinGen allele CA4802894.